The following is an entry in ClinVar:

ClinVar aggregate classification (germline): Pathogenic (1 of 4 stars; one submission).

Submission:

Labcorp Genetics (formerly Invitae), Labcorp
Classification: Pathogenic. Last evaluated: 2023-01-03. Review status: criteria provided, single submitter. Criteria: Invitae Variant Classification Sherloc (09022015). Collection method: clinical testing. Allele origin: germline.
Comment: For these reasons, this variant has been classified as Pathogenic. Algorithms developed to predict the effect of sequence changes on RNA splicing suggest that this variant may disrupt the consensus splice site. This variant has not been reported in the literature in individuals affected with COL2A1-related conditions. This variant is not present in population databases (gnomAD no frequency). This sequence change creates a premature translational stop signal (p.Asn42Lysfs*26) in the COL2A1 gene. It is expected to result in an absent or disrupted protein product. Loss-of-function variants in COL2A1 are known to be pathogenic (PMID: 20179744).

Literature cited by the submitters: PubMed 20179744.

NM_001844.5(COL2A1):c.126del (p.Asn42fs)

Gene: COL2A1 (collagen type II alpha 1 chain; minus strand). Cytogenetic location: 12q13.11.
Variant type: Deletion.
Coding change: c.126del on transcript NM_001844.5 (MANE Select); coding-DNA position 126, one base deleted (T; older notation c.126delT).
Protein change: p.Asn42fs; shifts the reading frame from asparagine 42.
Molecular consequence: frameshift variant. On other transcripts: intron variant (1).
Genome position (GRCh38, 1-based): chr12:48,000,085, A deleted on the plus strand (T on the coding strand, the reverse complement: COL2A1 is on the minus strand). VCF-style (leftmost placement, unchanged base first): chr12-48000084-CA-C. GRCh37 (hg19) VCF-style: chr12-48393867-CA-C.
Other names: c.86-1654del (NM_033150.3); short protein forms N42fs.
Identifiers: ClinVar variation 2826126 (VCV002826126.3), dbSNP rs2540187828, ClinGen allele CA2739271991.